The following is an entry in ClinVar:

NM_001166108.2(PALLD):c.2141G>A (p.Gly714Asp)

Genes: CBR4 (carbonyl reductase 4; minus strand), PALLD (palladin, cytoskeletal associated protein; plus strand). Cytogenetic location: 4q32.3.
Variant type: single nucleotide variant.
Coding change: c.2141G>A on transcript NM_001166108.2 (MANE Select); coding-DNA position 2141, G replaced by A.
Protein change: p.Gly714Asp; replaces glycine 714 with aspartic acid.
Molecular consequence: missense variant.
Genome position (GRCh38, 1-based): chr4:168,894,619, G>A. VCF-style: chr4-168894619-G-A. GRCh37 (hg19) VCF-style: chr4-169815770-G-A.
Other names: c.995G>A, p.Gly332Asp (NM_001166109.2); c.680G>A, p.Gly227Asp (NM_001166110.2); c.20G>A, p.Gly7Asp (NM_001367567.1, NM_001367568.1, NM_001367569.1 and 1 more transcripts); c.2141G>A, p.Gly714Asp (NM_016081.4); short protein forms G714D, G7D, G227D, G332D.
Identifiers: ClinVar variation 3413613 (VCV003413613.1).

ClinVar aggregate classification (germline): Uncertain significance (1 of 4 stars; one submission).

Submission:

Ambry Genetics
Classification: Uncertain significance. Last evaluated: 2024-09-04. Review status: criteria provided, single submitter. Criteria: Ambry Variant Classification Scheme 2023. Collection method: clinical testing. Allele origin: germline.
Comment: The p.G714D variant (also known as c.2141G>A), located in coding exon 11 of the PALLD gene, results from a G to A substitution at nucleotide position 2141. The glycine at codon 714 is replaced by aspartic acid, an amino acid with similar properties. This amino acid position is conserved. In addition, this alteration is predicted to be deleterious by in silico analysis. Based on the available evidence, the clinical significance of this variant remains unclear.